The following is an entry in ClinVar:

ClinVar aggregate classification (germline): Likely benign (1 of 4 stars; one submission).

Submission:

CeGaT Center for Human Genetics Tuebingen
Classification: Likely benign. Last evaluated: 2026-08-01. Review status: criteria provided, single submitter. Criteria: CeGaT Center For Human Genetics Tuebingen Variant Classification Criteria Version 2. Collection method: clinical testing. Allele origin: germline. Affected: yes. Observed: 3 variant alleles.
Comment: GTF2I: PP2, BS2

NM_032999.4(GTF2I):c.1715G>A (p.Arg572Gln)

Genes: GTF2I (general transcription factor IIi; plus strand), LOC106029312 (Williams-Beuren syndrome medial block B recombination region; plus strand). Cytogenetic location: 7q11.23.
Variant type: single nucleotide variant.
Coding change: c.1715G>A on transcript NM_032999.4 (MANE Select); coding-DNA position 1715, G replaced by A.
Protein change: p.Arg572Gln; replaces arginine 572 with glutamine.
Molecular consequence: missense variant.
Genome position (GRCh38, 1-based): chr7:74,743,485, G>A. VCF-style: chr7-74743485-G-A. GRCh37 (hg19) VCF-style: chr7-74157824-G-A.
Other names: c.1649G>A, p.Arg550Gln (NM_001163636.3); c.1592G>A, p.Arg531Gln (NM_001518.5); c.1655G>A, p.Arg552Gln (NM_033000.4); c.1652G>A, p.Arg551Gln (NM_033001.4); short protein forms R531Q, R550Q, R551Q, R552Q, R572Q.
Identifiers: ClinVar variation 3388779 (VCV003388779.14).